The following is an entry in ClinVar:

NM_000136.3(FANCC):c.1300G>C (p.Asp434His)

Genes: AOPEP (aminopeptidase O (putative); plus strand), FANCC (FA complementation group C; minus strand). Cytogenetic location: 9q22.32.
Variant type: single nucleotide variant.
Coding change: c.1300G>C on transcript NM_000136.3 (MANE Select); coding-DNA position 1300, G replaced by C.
Protein change: p.Asp434His; replaces aspartic acid 434 with histidine.
Molecular consequence: missense variant.
Genome position (GRCh38, 1-based): chr9:95,111,492, C>G on the plus strand (G>C on the coding strand, the complement: FANCC is on the minus strand). VCF-style: chr9-95111492-C-G. GRCh37 (hg19) VCF-style: chr9-97873774-C-G.
Other names: c.1300G>C, p.Asp434His (NM_001243743.2, NM_001243744.2); short protein forms D434H.
Identifiers: ClinVar variation 1769404 (VCV001769404.6), dbSNP rs864622522, ClinGen allele CA196543211.
Genomic context (GRCh38, chr9:95,111,492, plus strand): 5'-CCAAACACATGCAGTGGGGCCTGCTACCCACCATAGTCTGTGCTCTCTGCTGCCTCCCAT[C>G]ACGGGGGCCGTAGTAGAAGGCCAAGAGCCACAGCAGGGCCGTGGGGGGTTCGGCTGCCGA-3'
Protein context (NP_000127.2, residues 424-444): WLLAFYYGPR[Asp434His]GRQQRAQTMV

ClinVar aggregate classification (germline): Uncertain significance. Review status: criteria provided, multiple submitters, no conflicts (2 of 4 stars). 3 submissions from 3 submitters: Uncertain significance (3). Last evaluated 2024-03-27.

Conditions:
Hereditary cancer-predisposing syndrome. Also called: Hereditary neoplastic syndrome; Neoplastic Syndromes, Hereditary; Tumor predisposition; Hereditary Cancer Syndrome. Identifiers: Orphanet 140162, MedGen C0027672, MeSH D009386, MONDO:0015356.
Fanconi anemia (FA). Also called: Fanconi's anemia. Identifiers: Orphanet 84, MedGen C0015625, MeSH D005199, MONDO:0019391.

Allele frequency attached by ClinVar (database versions not stated): gnomAD exomes below 0.00001; TOPMed 0.00001.
gnomAD v4.1: 2 of 1,613,788 alleles (0.00012%); highest among the groups gnomAD compares: African/African-American, 0.0027%; no homozygotes.

Submissions (3):

Ambry Genetics
Classification: Uncertain significance for Hereditary cancer-predisposing syndrome. Last evaluated: 2024-03-27. Review status: criteria provided, single submitter. Criteria: Ambry Variant Classification Scheme 2023. Collection method: clinical testing. Allele origin: germline.
Comment: The p.D434H variant (also known as c.1300G>C), located in coding exon 12 of the FANCC gene, results from a G to C substitution at nucleotide position 1300. The aspartic acid at codon 434 is replaced by histidine, an amino acid with similar properties. This amino acid position is conserved. In addition, this alteration is predicted to be tolerated by in silico analysis. Since supporting evidence is limited at this time, the clinical significance of this alteration remains unclear.

GeneDx
Classification: Uncertain significance. Last evaluated: 2023-10-18. Review status: criteria provided, single submitter. Criteria: GeneDx Variant Classification Process June 2021. Collection method: clinical testing. Allele origin: germline.
Comment: Not observed at significant frequency in large population cohorts (gnomAD); In silico analysis supports that this missense variant has a deleterious effect on protein structure/function; Has not been previously published as pathogenic or benign to our knowledge

Labcorp Genetics (formerly Invitae), Labcorp
Classification: Uncertain significance for Fanconi anemia. Last evaluated: 2022-02-04. Review status: criteria provided, single submitter. Criteria: Invitae Variant Classification Sherloc (09022015). Collection method: clinical testing. Allele origin: germline.
Comment: This sequence change replaces aspartic acid, which is acidic and polar, with histidine, which is basic and polar, at codon 434 of the FANCC protein (p.Asp434His). This variant is present in population databases (no rsID available, gnomAD 0.01%). This variant has not been reported in the literature in individuals affected with FANCC-related conditions. Algorithms developed to predict the effect of missense changes on protein structure and function (SIFT, PolyPhen-2, Align-GVGD) all suggest that this variant is likely to be disruptive. In summary, the available evidence is currently insufficient to determine the role of this variant in disease. Therefore, it has been classified as a Variant of Uncertain Significance.